The following is an entry in ClinVar:

NM_000059.4(BRCA2):c.1586_1587del (p.Asn528_Phe529insTer)

Gene: BRCA2 (BRCA2 DNA repair associated; plus strand). Cytogenetic location: 13q13.1.
Variant type: Deletion.
Coding change: c.1586_1587del on transcript NM_000059.4 (MANE Select); coding-DNA positions 1586 to 1587, 2 bases deleted (TT; older notation c.1586_1587delTT).
Protein change: p.Asn528_Phe529insTer.
Molecular consequence: nonsense.
Genome position (GRCh38, 1-based): chr13:32,333,064-32,333,065, TT deleted; deleting any 2 consecutive bases within chr13:32,333,063-32,333,065 gives the same sequence; the c. name uses the placement nearest the transcript's 3' end. VCF-style (leftmost placement, unchanged base first): chr13-32333062-CTT-C. GRCh37 (hg19) VCF-style: chr13-32907199-CTT-C.
Identifiers: ClinVar variation 1698823 (VCV001698823.7), dbSNP rs1017181748, ClinGen allele CA916084379.
Genomic context (GRCh38, chr13:32,333,062, plus strand): 5'-AAGAGAATCACCTAAAGAGACTTTCAATGCAAGTTTTTCAGGTCATATGACTGATCCAAA[CTT>C]TAAAAAAGAAACTGAAGCCTCTGAAAGTGGACTGGAAATACATACTGTTTGCTCACAGAA-3'

ClinVar aggregate classification (germline): Pathogenic. Review status: criteria provided, multiple submitters, no conflicts (2 of 4 stars). 3 submissions from 3 submitters: Pathogenic (3). Last evaluated 2025-11-12.

Conditions:
Hereditary cancer-predisposing syndrome. Also called: Tumor predisposition; Hereditary neoplastic syndrome; Neoplastic Syndromes, Hereditary; Hereditary Cancer Syndrome. Identifiers: Orphanet 140162, MedGen C0027672, MeSH D009386, MONDO:0015356.
Breast-ovarian cancer, familial, susceptibility to, 2 (BROVCA2). Also called: BRCA2 Hereditary Breast and Ovarian Cancer. Identifiers: Orphanet 145, MedGen C2675520, MONDO:0012933, OMIM 612555. Disease mechanism: loss of function.
Hereditary breast ovarian cancer syndrome. Also called: Hereditary breast and ovarian cancer; Hereditary breast and/or ovarian cancer syndrome; BRCA1- and BRCA2-Associated Hereditary Breast and Ovarian Cancer; Hereditary breast and ovarian cancer syndrome (HBOC); Breast and ovarian cancer; Hereditary breast and ovarian cancer syndrome. Identifiers: Orphanet 145, MedGen C0677776, MeSH D061325, MONDO:0003582. Disease mechanism: loss of function.

Submissions (3):

Labcorp Genetics (formerly Invitae), Labcorp
Classification: Pathogenic for Hereditary breast ovarian cancer syndrome. Last evaluated: 2025-11-12. Review status: criteria provided, single submitter. Criteria: Invitae Variant Classification Sherloc (09022015). Collection method: clinical testing. Allele origin: germline.
Comment: This sequence change creates a premature translational stop signal (p.Phe529*) in the BRCA2 gene. It is expected to result in an absent or disrupted protein product. Loss-of-function variants in BRCA2 are known to be pathogenic (PMID: 20104584). This variant is not present in population databases (gnomAD no frequency). This variant has not been reported in the literature in individuals affected with BRCA2-related conditions. ClinVar contains an entry for this variant (Variation ID: 1698823). For these reasons, this variant has been classified as Pathogenic.

Ambry Genetics
Classification: Pathogenic for Hereditary cancer-predisposing syndrome. Last evaluated: 2024-10-18. Review status: criteria provided, single submitter. Criteria: Ambry Variant Classification Scheme 2023. Collection method: clinical testing. Allele origin: germline.
Comment: The c.1586_1587delTT pathogenic mutation, located in coding exon 9 of the BRCA2 gene, results from a deletion of two nucleotides at nucleotide positions 1586 to 1587, causing a translational frameshift with a predicted alternate stop codon (p.F529*). This variant is considered to be rare based on population cohorts in the Genome Aggregation Database (gnomAD). This alteration is expected to result in loss of function by premature protein truncation or nonsense-mediated mRNA decay. As such, this alteration is interpreted as a disease-causing mutation.

Genetics and Molecular Pathology, SA Pathology
Classification: Pathogenic for Breast-ovarian cancer, familial, susceptibility to, 2. Last evaluated: 2020-05-18. Review status: criteria provided, single submitter. Criteria: ACMG Guidelines, 2015. Collection method: clinical testing. Allele origin: germline. Inheritance: Autosomal dominant inheritance. Affected: yes.

Literature cited by the submitters: PubMed 20104584 (cited by Labcorp Genetics (formerly Invitae), Labcorp).